The following is an entry in ClinVar:

NM_000179.3(MSH6):c.3524C>G (p.Thr1175Ser)

Gene: MSH6 (mutS homolog 6; plus strand). Cytogenetic location: 2p16.3.
Variant type: single nucleotide variant.
Coding change: c.3524C>G on transcript NM_000179.3 (MANE Select); coding-DNA position 3524, C replaced by G.
Protein change: p.Thr1175Ser; replaces threonine 1175 with serine.
Molecular consequence: missense variant.
Genome position (GRCh38, 1-based): chr2:47,804,995, C>G. VCF-style: chr2-47804995-C-G. GRCh37 (hg19) VCF-style: chr2-48032134-C-G.
Other names: c.3134C>G, p.Thr1045Ser (NM_001281492.2); c.2618C>G, p.Thr873Ser (NM_001281493.2, NM_001281494.2); short protein forms T1175S, T1045S, T873S.
Identifiers: ClinVar variation 233711 (VCV000233711.18), dbSNP rs369583604, ClinGen allele CA10578147.

ClinVar aggregate classification (germline): Uncertain significance. Review status: criteria provided, multiple submitters, no conflicts (2 of 4 stars). 5 submissions from 5 submitters: Uncertain significance (5). Last evaluated 2025-09-22.

Conditions:
Hereditary nonpolyposis colorectal neoplasms. Identifiers: MedGen C0009405, MeSH D003123.
Hereditary cancer-predisposing syndrome. Also called: Neoplastic Syndromes, Hereditary; Tumor predisposition; Hereditary Cancer Syndrome; Hereditary neoplastic syndrome. Identifiers: Orphanet 140162, MedGen C0027672, MeSH D009386, MONDO:0015356.
Lynch syndrome. Identifiers: Orphanet 144, MedGen C4552100, MONDO:0005835. Disease mechanism: loss of function.

Allele frequency attached by ClinVar (database versions not stated): ESP Exome Variant Server 0.00008.
gnomAD v4.1: 5 of 1,613,944 alleles (0.00031%); highest among the groups gnomAD compares: African/African-American, 0.0013%; no homozygotes.

Submissions (5):

Labcorp Genetics (formerly Invitae), Labcorp
Classification: Uncertain significance for Hereditary nonpolyposis colorectal neoplasms. Last evaluated: 2025-09-22. Review status: criteria provided, single submitter. Criteria: Invitae Variant Classification Sherloc (09022015). Collection method: clinical testing. Allele origin: germline.
Comment: This sequence change replaces threonine, which is neutral and polar, with serine, which is neutral and polar, at codon 1175 of the MSH6 protein (p.Thr1175Ser). This variant is not present in population databases (gnomAD no frequency). This missense change has been observed in individual(s) with breast cancer (PMID: 35264596). ClinVar contains an entry for this variant (Variation ID: 233711). Invitae Evidence Modeling of protein sequence and biophysical properties (such as structural, functional, and spatial information, amino acid conservation, physicochemical variation, residue mobility, and thermodynamic stability) indicates that this missense variant is not expected to disrupt MSH6 protein function with a negative predictive value of 95%. In summary, the available evidence is currently insufficient to determine the role of this variant in disease. Therefore, it has been classified as a Variant of Uncertain Significance.

Ambry Genetics
Classification: Uncertain significance for Hereditary cancer-predisposing syndrome. Last evaluated: 2024-03-18. Review status: criteria provided, single submitter. Criteria: Ambry Variant Classification Scheme 2023. Collection method: clinical testing. Allele origin: germline.
Comment: The p.T1175S variant (also known as c.3524C>G), located in coding exon 6 of the MSH6 gene, results from a C to G substitution at nucleotide position 3524. The threonine at codon 1175 is replaced by serine, an amino acid with similar properties. In one study, this variant was detected in 0/165 colorectal cancer and/or polyposis patients and was identified in 1/2512 control individuals from a healthy population database (Rosenthal EA et al. Hum Genet, 2018 Oct;137:795-806). In another study, this variant was reported in 0/60,466 breast cancer cases and in 1/53,461 controls (Dorling et al. N Engl J Med. 2021 02;384:428-439). This alteration was detected in a cohort of 1663 Brazilian breast cancer patients who underwent hereditary multigene panel testing (Guindalini RSC et al. Sci Rep, 2022 Mar;12:4190). This amino acid position is highly conserved in available vertebrate species. In addition, this alteration is predicted to be deleterious by in silico analysis. Since supporting evidence is limited at this time, the clinical significance of this alteration remains unclear.

Color Diagnostics, LLC DBA Color Health
Classification: Uncertain significance for Hereditary cancer-predisposing syndrome. Last evaluated: 2018-11-02. Review status: criteria provided, single submitter. Criteria: ACMG Guidelines, 2015. Collection method: clinical testing. Allele origin: germline.

Mendelics
Classification: Uncertain significance for Lynch syndrome. Last evaluated: 2018-07-02. Review status: criteria provided, single submitter. Criteria: Mendelics Assertion Criteria 2017. Collection method: clinical testing. Allele origin: unknown.

GeneDx
Classification: Uncertain significance. Last evaluated: 2015-03-25. Review status: criteria provided, single submitter. Criteria: GeneDx Variant Classification (06012015). Collection method: clinical testing. Allele origin: germline. Affected: yes.
Comment: This variant is denoted MSH6 c.3524C>G at the cDNA level, p.Thr1175Ser (T1175S) at the protein level, and results in the change of a Threonine to a Serine (ACT>AGT). This variant has not, to our knowledge, been published in the literature as pathogenic or benign. MSH6 Thr1175Ser was not observed at a significant allele frequency in the NHLBI Exome Sequencing Project. Since Threonine and Serine share similar properties, this is considered a conservative amino acid substitution. MSH6 Thr1175Ser occurs at a position that is conserved across species and is located in domain V of the MutS domain (Terui 2013). In silico analyses are inconsistent regarding the effect this variant may have on protein structure and function. Based on currently available information, it is unclear whether MSH6 Thr1175Ser is pathogenic or benign. We consider it to be a variant of uncertain significance.

Literature cited by the submitters: PubMed 35264596 (cited by Labcorp Genetics (formerly Invitae), Labcorp and Ambry Genetics); PubMed 30267214 (cited by Ambry Genetics); PubMed 33471991 (cited by Ambry Genetics).